The following is an entry in ClinVar:

NM_000368.5(TSC1):c.*2904G>T

Gene: TSC1 (TSC complex subunit 1; minus strand). Cytogenetic location: 9q34.13.
Variant type: single nucleotide variant.
Coding change: c.*2904G>T on transcript NM_000368.5 (MANE Select); 2904 bases downstream of the stop codon, G replaced by T.
Molecular consequence: 3 prime UTR variant.
Genome position (GRCh38, 1-based): chr9:132,893,331, C>A on the plus strand (G>T on the coding strand, the complement: TSC1 is on the minus strand). VCF-style: chr9-132893331-C-A. GRCh37 (hg19) VCF-style: chr9-135768718-C-A.
Other names: c.*2904G>T (NM_001162426.2, NM_001162427.2, NM_001362177.2).
Identifiers: ClinVar variation 365431 (VCV000365431.36), dbSNP rs559978998, ClinGen allele CA10632969.

ClinVar aggregate classification (germline): Conflicting classifications of pathogenicity. Review status: criteria provided, conflicting classifications (1 of 4 stars). 3 submissions from 2 submitters: Uncertain significance (2); Likely benign (1). Last evaluated 2023-07-01.

Conditions:
Tuberous sclerosis 1 (TSC1). Identifiers: Orphanet 805, MedGen C1854465, MONDO:0008612, OMIM 191100.
Isolated focal cortical dysplasia type II (FCORD2). Also called: Focal cortical dysplasia type II; CORTICAL DYSPLASIA OF TAYLOR. Identifiers: Orphanet 268994, MedGen C1846385, MONDO:0011818, OMIM 607341, HP:0032051.

Allele frequency attached by ClinVar (database versions not stated): 1000 Genomes Project 0.00040; 1000 Genomes Project 30x 0.00047; gnomAD 0.00158 and 0.00163; TOPMed 0.00158; gnomAD exomes 0.00187.
gnomAD v4.1: 384 of 233,148 alleles (0.16%); highest among the groups gnomAD compares: Non-Finnish European, 0.28%; no homozygotes.

Submissions (3):

CeGaT Center for Human Genetics Tuebingen
Classification: Likely benign. Last evaluated: 2023-07-01. Review status: criteria provided, single submitter. Criteria: CeGaT Center For Human Genetics Tuebingen Variant Classification Criteria Version 2. Collection method: clinical testing. Allele origin: germline. Affected: yes. Observed: 26 variant alleles.
Comment: TSC1: BS1

Illumina Laboratory Services, Illumina
Classification: Uncertain significance for Tuberous sclerosis 1. Last evaluated: 2018-01-13. Review status: criteria provided, single submitter. Criteria: ICSL Variant Classification Criteria 13 December 2019. Collection method: clinical testing. Allele origin: germline.

Illumina Laboratory Services, Illumina
Classification: Uncertain significance for Isolated focal cortical dysplasia type II. Last evaluated: 2018-01-13. Review status: criteria provided, single submitter. Criteria: ICSL Variant Classification Criteria 13 December 2019. Collection method: clinical testing. Allele origin: germline.